The following is an entry in ClinVar:

NM_000368.5(TSC1):c.3311G>T (p.Cys1104Phe)

Gene: TSC1 (TSC complex subunit 1; minus strand). Cytogenetic location: 9q34.13.
Variant type: single nucleotide variant.
Coding change: c.3311G>T on transcript NM_000368.5 (MANE Select); coding-DNA position 3311, G replaced by T.
Protein change: p.Cys1104Phe; replaces cysteine 1104 with phenylalanine.
Molecular consequence: missense variant.
Genome position (GRCh38, 1-based): chr9:132,896,419, C>A on the plus strand (G>T on the coding strand, the complement: TSC1 is on the minus strand). VCF-style: chr9-132896419-C-A. GRCh37 (hg19) VCF-style: chr9-135771806-C-A.
Other names: p.C1104F:TGT>TTT; c.3308G>T, p.Cys1103Phe (NM_001162426.2); c.3158G>T, p.Cys1053Phe (NM_001162427.2); c.2948G>T, p.Cys983Phe (NM_001362177.2); short protein forms C1104F, C983F, C1053F, C1103F.
Identifiers: ClinVar variation 207648 (VCV000207648.14), dbSNP rs796053467, ClinGen allele CA319330.
Genomic context (GRCh38, chr9:132,896,419, plus strand): 5'-TCTTTGCCCAGTTCTGTCTTTAGGCTCTCAGAAAGGCTACTGGTCATGCCGTCCTCATCA[C>A]ACTGGCTCTCGCTCTTATTACGAAATAACTCTCGAGCCTTCATACCCAGGAAGCTTTTTG-3'
Protein context (NP_000359.1, residues 1094-1114): ELFRNKSESQ[Cys1104Phe]DEDGMTSSLS

ClinVar aggregate classification (germline): Uncertain significance. Review status: criteria provided, multiple submitters, no conflicts (2 of 4 stars). 4 submissions from 4 submitters: Uncertain significance (4). Last evaluated 2021-11-07.

Conditions:
Hereditary cancer-predisposing syndrome. Also called: Neoplastic Syndromes, Hereditary; Hereditary Cancer Syndrome; Tumor predisposition; Hereditary neoplastic syndrome. Identifiers: Orphanet 140162, MedGen C0027672, MeSH D009386, MONDO:0015356.
Tuberous sclerosis 1 (TSC1). Identifiers: Orphanet 805, MedGen C1854465, MONDO:0008612, OMIM 191100.

Submissions (4):

Genome-Nilou Lab
Classification: Uncertain significance for Tuberous sclerosis 1. Last evaluated: 2021-11-07. Review status: criteria provided, single submitter. Criteria: ACMG Guidelines, 2015. Collection method: clinical testing. Allele origin: germline. Affected: no.

Labcorp Genetics (formerly Invitae), Labcorp
Classification: Uncertain significance for Tuberous sclerosis 1. Last evaluated: 2016-03-05. Review status: criteria provided, single submitter. Criteria: Invitae Variant Classification Sherloc (09022015). Collection method: clinical testing. Allele origin: germline.
Comment: In summary, this variant is a rare missense change with uncertain impact on protein function. It has been classified as a Variant of Uncertain Significance. Algorithms developed to predict the effect of missense changes on protein structure and function do not agree on the potential impact of this missense change (SIFT: "Tolerated"; PolyPhen-2: "Probably Damaging"; Align-GVGD: "Class C0"). This variant is not present in population databases (ExAC no frequency) and has not been reported in the literature in individuals with a TSC1-related disease. ClinVar contains an entry for this variant (Variation ID: 207648). This sequence change replaces cysteine with phenylalanine at codon 1104 of the TSC1 protein (p.Cys1104Phe). The cysteine residue is moderately conserved and there is a large physicochemical difference between cysteine and phenylalanine.

Ambry Genetics
Classification: Uncertain significance for Hereditary cancer-predisposing syndrome. Last evaluated: 2015-03-28. Review status: criteria provided, single submitter. Criteria: Ambry Variant Classification Scheme 2023. Collection method: clinical testing. Allele origin: germline.
Comment: The p.C1104F variant (also known as c.3311G>T), located in coding exon 21 of the TSC1 gene, results from a G to T substitution at nucleotide position 3311. The cysteine at codon 1104 is replaced by phenylalanine, an amino acid with highly dissimilar properties. This variant was not reported in population based cohorts in the following databases: Database of Single Nucleotide Polymorphisms (dbSNP), NHLBI Exome Sequencing Project (ESP), and 1000 Genomes Project. In the ESP, this variant was not observed in 6503 samples (13006 alleles) with coverage at this position. To date, this alteration has been detected with an allele frequency of approximately 0.06% (greater than 1800 alleles tested) in our clinical cohort. This amino acid position is highly conserved in available vertebrate species. In addition, this alteration is predicted to be deleterious by in silico analysis. Since supporting evidence is limited at this time, the clinical significance of p.C1104F remains unclear.

GeneDx
Classification: Uncertain significance. Last evaluated: 2014-09-22. Review status: criteria provided, single submitter. Criteria: GeneDx Variant Classification (06012015). Collection method: clinical testing. Allele origin: germline. Affected: yes.
Comment: p.Cys1104Phe (TGT>TTT): c.3311 G>T in exon 23 of the TSC1 gene (NM_000368.4). The C1104F variant has not been published as a mutation, nor has it been reported as a benign Polymorphism to our knowledge. It was not observed in approximately 6,500 individuals of European and African American ancestry in the NHLBI Exome Sequencing Project, indicating it is Not a common benign variant in these populations. The C1104F variant is a non-conservative amino acid substitution, which is likely to impact secondary protein structure as these residues Differ in polarity, charge, size and/or other properties. This substitution occurs at a position that is conserved through mammals. In silico analysis predicts this variant is probably damaging to The protein structure/function. However, the vast majority of TSC1 mutations result in protein truncation, while missense mutations have been reported only rarely (Northrup et al., 2011; Au et Al., 2007). Therefore, based on the currently available information, it is unclear whether this variant is a pathogenic mutation or a rare benign variant. The variant is found in EPILEPSY panel(s).